The following is an entry in ClinVar:

NM_006005.3(WFS1):c.105G>T (p.Gln35His)

Gene: WFS1 (wolframin ER transmembrane glycoprotein; plus strand). Cytogenetic location: 4p16.1.
Variant type: single nucleotide variant.
Coding change: c.105G>T on transcript NM_006005.3 (MANE Select); coding-DNA position 105, G replaced by T.
Protein change: p.Gln35His; replaces glutamine 35 with histidine.
Molecular consequence: missense variant.
Genome position (GRCh38, 1-based): chr4:6,277,560, G>T. VCF-style: chr4-6277560-G-T. GRCh37 (hg19) VCF-style: chr4-6279287-G-T.
Other names: c.105G>T, p.Gln35His (NM_001145853.1); short protein forms Q35H.
Identifiers: ClinVar variation 2735948 (VCV002735948.3), dbSNP rs1410366397, ClinGen allele CA356169651.

ClinVar aggregate classification (germline): Uncertain significance (1 of 4 stars; one submission).

Allele frequency attached by ClinVar (database versions not stated): gnomAD exomes 0.00001.

Submission:

Labcorp Genetics (formerly Invitae), Labcorp
Classification: Uncertain significance. Last evaluated: 2024-09-11. Review status: criteria provided, single submitter. Criteria: Invitae Variant Classification Sherloc (09022015). Collection method: clinical testing. Allele origin: germline.
Comment: This sequence change replaces glutamine, which is neutral and polar, with histidine, which is basic and polar, at codon 35 of the WFS1 protein (p.Gln35His). The frequency data for this variant in the population databases is considered unreliable, as metrics indicate poor data quality at this position in the gnomAD database. This variant has not been reported in the literature in individuals affected with WFS1-related conditions. Invitae Evidence Modeling of protein sequence and biophysical properties (such as structural, functional, and spatial information, amino acid conservation, physicochemical variation, residue mobility, and thermodynamic stability) indicates that this missense variant is not expected to disrupt WFS1 protein function with a negative predictive value of 95%. In summary, the available evidence is currently insufficient to determine the role of this variant in disease. Therefore, it has been classified as a Variant of Uncertain Significance.